The following is an entry in ClinVar:

ClinVar aggregate classification (germline): Conflicting classifications of pathogenicity. Review status: criteria provided, conflicting classifications (1 of 4 stars). 6 submissions from 6 submitters: Uncertain significance (2); Benign (1); Likely benign (2). 1 of the submissions does not count toward it. Last evaluated 2025-11-09.

Conditions:
Hereditary cancer-predisposing syndrome. Also called: Neoplastic Syndromes, Hereditary; Tumor predisposition; Hereditary Cancer Syndrome; Hereditary neoplastic syndrome. Identifiers: Orphanet 140162, MedGen C0027672, MeSH D009386, MONDO:0015356.
Tuberous sclerosis syndrome (TSC). Also called: Tuberous Sclerosis Complex; Tuberous sclerosis. Identifiers: Orphanet 805, MedGen C0041341, MONDO:0001734.
Tuberous sclerosis 2 (TSC2). Identifiers: Orphanet 805, MedGen C1860707, MONDO:0013199, OMIM 613254.

Allele frequency attached by ClinVar (database versions not stated): TOPMed below 0.00001; gnomAD 0.00001; gnomAD exomes 0.00001.
gnomAD v4.1: 9 of 1,612,626 alleles (0.00056%); highest among the groups gnomAD compares: Non-Finnish European, 0.00076%; no homozygotes.

Submissions (6):

Labcorp Genetics (formerly Invitae), Labcorp
Classification: Likely benign for Tuberous sclerosis 2. Last evaluated: 2025-11-09. Review status: criteria provided, single submitter. Criteria: Invitae Variant Classification Sherloc (09022015). Collection method: clinical testing. Allele origin: germline.

Myriad Genetics, Inc.
Classification: Benign for Tuberous sclerosis 2. Last evaluated: 2025-06-04. Review status: criteria provided, single submitter. Criteria: Myriad Autosomal Dominant, Autosomal Recessive and X-Linked Classification Criteria (2023). Collection method: clinical testing. Allele origin: unknown.
Comment: This variant is considered benign. This variant is a silent/synonymous amino acid change and it is not expected to impact splicing.

GeneDx
Classification: Uncertain significance. Last evaluated: 2024-09-16. Review status: criteria provided, single submitter. Criteria: GeneDx Variant Classification Process June 2021. Collection method: clinical testing. Allele origin: germline. Affected: yes.
Comment: Has not been previously published as pathogenic or benign to our knowledge; In silico analysis suggests this variant may impact gene splicing. In the absence of RNA/functional studies, the actual effect of this sequence change is unknown.

All of Us Research Program, National Institutes of Health
Classification: Likely benign for Tuberous sclerosis syndrome. Last evaluated: 2024-07-29. Review status: criteria provided, single submitter. Criteria: ACMG Guidelines, 2015. Collection method: clinical testing. Allele origin: germline. Inheritance: Autosomal dominant inheritance. Observed: 1 variant allele, 1 heterozygote.
Comment: This study involves interpretation of variants in research participants for the purpose of population health screening. Participant phenotype was not available at the time of variant classification. Additional details can be found in publication PMID: 35346344, PMCID: PMC8962531

Ambry Genetics
Classification: Uncertain significance for Hereditary cancer-predisposing syndrome. Last evaluated: 2020-09-23. Review status: criteria provided, single submitter. Criteria: Ambry Variant Classification Scheme 2023. Collection method: clinical testing. Allele origin: germline.
Comment: The c.4689C>T (p.S1563S) alteration is located in exon 37 (coding exon 36) of the TSC2 gene. This alteration consists of a C to T substitution at nucleotide position 4689. This nucleotide substitution does not change the amino acid at codon 1563. However, this change occurs in the last nucleotide of Exon 37 (c.4663_4849) which makes it likely to have some effect on normal mRNA splicing. Based on insufficient or conflicting evidence, the clinical significance of this alteration remains unclear.

Tuberous sclerosis database (TSC2)
No classification provided. Condition: TSC. Review status: no classification provided. Criteria: Tuberous Sclerosis Database Assertion Criteria 2015. Collection method: curation. Allele origin: germline. Affected: yes. Not counted in ClinVar's aggregate classification.

NM_000548.5(TSC2):c.4689C>T (p.Ser1563=)

Gene: TSC2 (TSC complex subunit 2; plus strand). Cytogenetic location: 16p13.3.
Variant type: single nucleotide variant.
Coding change: c.4689C>T on transcript NM_000548.5 (MANE Select); coding-DNA position 4689, C replaced by T.
Protein change: p.Ser1563=; no amino-acid change (serine 1563 retained).
Molecular consequence: synonymous variant.
Genome position (GRCh38, 1-based): chr16:2,086,219, C>T. VCF-style: chr16-2086219-C-T. GRCh37 (hg19) VCF-style: chr16-2136220-C-T.
Other names: c.4488C>T, p.Ser1496= (NM_001077183.3); c.4620C>T, p.Ser1540= (NM_001114382.3); c.4380C>T, p.Ser1460= (NM_001318827.2); c.4344C>T, p.Ser1448= (NM_001318829.2); c.3957C>T, p.Ser1319= (NM_001318831.2); c.4521C>T, p.Ser1507= (NM_001318832.2); c.4491C>T, p.Ser1497= (NM_001363528.2); c.4557C>T, p.Ser1519= (NM_001370404.1); and 1 more.
Identifiers: ClinVar variation 50053 (VCV000050053.13), dbSNP rs45517363, ClinGen allele CA020905.
Genomic context (GRCh38, chr16:2,086,219, plus strand): 5'-GTGATGCCACCCTGCCTCTCCCCTCTCCCCACAGAGCAACAGCGAGCTCGCCATCCTGTC[C>T]AATGAGCATGGCTCCTACAGGTACACGGAGTTCCTGACGGGCCTGGGCCGGCTCATCGAG-3'
Protein context (NP_000539.2, residues 1553-1573): GQSNSELAIL[Ser1563=]NEHGSYRYTE